The following is an entry in ClinVar:

ClinVar aggregate classification (germline): Likely pathogenic (1 of 4 stars; one submission).

Conditions:
Anemia, nonspherocytic hemolytic, due to G6PD deficiency (CNSHA1). Also called: ANEMIA, CONGENITAL, NONSPHEROCYTIC HEMOLYTIC, 1; Hemolytic anemia due to G6PD deficiency; Class I glucose-6-phosphate dehydrogenase deficiency; Favism, susceptibility to. Identifiers: Orphanet 466026, MedGen C2720289, MONDO:0010480, OMIM 300908.

Submission:

Labcorp Genetics (formerly Invitae), Labcorp
Classification: Likely pathogenic for Anemia, nonspherocytic hemolytic, due to G6PD deficiency. Last evaluated: 2023-10-08. Review status: criteria provided, single submitter. Criteria: Invitae Variant Classification Sherloc (09022015). Collection method: clinical testing. Allele origin: germline.
Comment: This sequence change replaces glutamine, which is neutral and polar, with arginine, which is basic and polar, at codon 449 of the G6PD protein (p.Gln449Arg). This variant is not present in population databases (gnomAD no frequency). This variant has not been reported in the literature in individuals affected with G6PD-related conditions. Advanced modeling of protein sequence and biophysical properties (such as structural, functional, and spatial information, amino acid conservation, physicochemical variation, residue mobility, and thermodynamic stability) performed at Invitae indicates that this missense variant is expected to disrupt G6PD protein function. This variant disrupts the p.Gln449 amino acid residue in G6PD. Other variant(s) that disrupt this residue have been determined to be pathogenic (PMID: 10782016). This suggests that this residue is clinically significant, and that variants that disrupt this residue are likely to be disease-causing. In summary, the currently available evidence indicates that the variant is pathogenic, but additional data are needed to prove that conclusively. Therefore, this variant has been classified as Likely Pathogenic.

Literature cited by the submitters: PubMed 10782016.

NM_001360016.2(G6PD):c.1346A>G (p.Gln449Arg)

Gene: G6PD (glucose-6-phosphate dehydrogenase; minus strand). Cytogenetic location: Xq28.
Variant type: single nucleotide variant.
Coding change: c.1346A>G on transcript NM_001360016.2 (MANE Select); coding-DNA position 1346, A replaced by G.
Protein change: p.Gln449Arg; replaces glutamine 449 with arginine.
Molecular consequence: missense variant.
Genome position (GRCh38, 1-based): chrX:154,532,404, T>C on the plus strand (A>G on the coding strand, the complement: G6PD is on the minus strand). VCF-style: chrX-154532404-T-C. GRCh37 (hg19) VCF-style: chrX-153760619-T-C.
Other names: c.1436A>G, p.Gln479Arg (NM_000402.4); c.1346A>G, p.Gln449Arg (NM_001042351.3); short protein forms Q449R, Q479R.
Identifiers: ClinVar variation 2891209 (VCV002891209.3), dbSNP rs2523261785, ClinGen allele CA415233658.
Genomic context (GRCh38, chrX:154,532,404, plus strand): 5'-CCATAGCCCACAGGTATGCAGGGGCCGGCAGCTGGGCCTCACCTGCGCACGAAGTGCATC[T>C]GGCTCCCGCAGAAGACGTCCAGGATGAGGCGCTCATAGGCGTCAGGGAGCTTCACGTTCT-3'
Protein context (NP_001346945.1, residues 439-459): RLILDVFCGS[Gln449Arg]MHFVRSDELR